The following is an entry in ClinVar:

ClinVar aggregate classification (germline): Conflicting classifications of pathogenicity. Review status: criteria provided, conflicting classifications (1 of 4 stars). 3 submissions from 3 submitters: Uncertain significance (2); Likely benign (1). Last evaluated 2025-04-30.

Conditions:
Hereditary nonpolyposis colorectal neoplasms. Identifiers: MedGen C0009405, MeSH D003123.
Hereditary cancer-predisposing syndrome. Also called: Hereditary neoplastic syndrome; Tumor predisposition; Neoplastic Syndromes, Hereditary; Hereditary Cancer Syndrome. Identifiers: Orphanet 140162, MedGen C0027672, MeSH D009386, MONDO:0015356.
Endometrial carcinoma. Also called: Endometrial carcinoma, somatic. Identifiers: MedGen C0476089, MONDO:0002447, OMIM 608089, HP:0012114.
Lynch syndrome 5 (LYNCH5). Also called: Hereditary non-polyposis colorectal cancer, type 5; Colorectal cancer, hereditary nonpolyposis, type 5. Identifiers: Orphanet 144, MedGen C1833477, MONDO:0013710, OMIM 614350. Disease mechanism: loss of function.
Mismatch repair cancer syndrome 3. Identifiers: MedGen C5436807, MONDO:0030841, OMIM 619097.

Submissions (3):

Labcorp Genetics (formerly Invitae), Labcorp
Classification: Uncertain significance for Hereditary nonpolyposis colorectal neoplasms. Last evaluated: 2025-04-30. Review status: criteria provided, single submitter. Criteria: Invitae Variant Classification Sherloc (09022015). Collection method: clinical testing. Allele origin: germline.
Comment: This sequence change replaces asparagine, which is neutral and polar, with histidine, which is basic and polar, at codon 71 of the MSH6 protein (p.Asn71His). This variant is not present in population databases (gnomAD no frequency). This missense change has been observed in individual(s) with breast cancer (PMID: 35449176). ClinVar contains an entry for this variant (Variation ID: 571962). Invitae Evidence Modeling of protein sequence and biophysical properties (such as structural, functional, and spatial information, amino acid conservation, physicochemical variation, residue mobility, and thermodynamic stability) indicates that this missense variant is not expected to disrupt MSH6 protein function with a negative predictive value of 95%. In summary, the available evidence is currently insufficient to determine the role of this variant in disease. Therefore, it has been classified as a Variant of Uncertain Significance.

Ambry Genetics
Classification: Likely benign for Hereditary cancer-predisposing syndrome. Last evaluated: 2025-04-22. Review status: criteria provided, single submitter. Criteria: Ambry Variant Classification Scheme 2023. Collection method: clinical testing. Allele origin: germline.

Fulgent Genetics
Classification: Uncertain significance for Endometrial carcinoma; Lynch syndrome 5; Mismatch repair cancer syndrome 3. Last evaluated: 2024-02-07. Review status: criteria provided, single submitter. Criteria: ACMG Guidelines, 2015. Collection method: clinical testing. Allele origin: germline.

Literature cited by the submitters: PubMed 35449176 (cited by Labcorp Genetics (formerly Invitae), Labcorp).

NM_000179.3(MSH6):c.211A>C (p.Asn71His)

Gene: MSH6 (mutS homolog 6; plus strand). Cytogenetic location: 2p16.3.
Variant type: single nucleotide variant.
Coding change: c.211A>C on transcript NM_000179.3 (MANE Select); coding-DNA position 211, A replaced by C.
Protein change: p.Asn71His; replaces asparagine 71 with histidine.
Molecular consequence: missense variant. On other transcripts: 5 prime UTR variant (1).
Genome position (GRCh38, 1-based): chr2:47,783,444, A>C. VCF-style: chr2-47783444-A-C. GRCh37 (hg19) VCF-style: chr2-48010583-A-C.
Other names: c.211A>C, p.Asn71His (NM_001281492.2); c.-526A>C (NM_001281493.2); short protein forms N71H.
Identifiers: ClinVar variation 571962 (VCV000571962.9), dbSNP rs1558645379, ClinGen allele CA346735061.